The following is an entry in ClinVar:

ClinVar aggregate classification (germline): Uncertain significance (1 of 4 stars; one submission).

Conditions:
Norman-Roberts syndrome (LIS2). Also called: Lissencephaly 2 (Norman-Roberts type). Identifiers: Orphanet 89844, MedGen C0796089, MONDO:0009760, OMIM 257320.
Familial temporal lobe epilepsy 7. Identifiers: Orphanet 101046, MedGen C4225327, MONDO:0014639, OMIM 616436.

Submission:

Labcorp Genetics (formerly Invitae), Labcorp
Classification: Uncertain significance for Familial temporal lobe epilepsy 7; Norman-Roberts syndrome. Last evaluated: 2023-10-16. Review status: criteria provided, single submitter. Criteria: Invitae Variant Classification Sherloc (09022015). Collection method: clinical testing. Allele origin: germline.
Comment: This sequence change replaces alanine, which is neutral and non-polar, with threonine, which is neutral and polar, at codon 2284 of the RELN protein (p.Ala2284Thr). This variant is not present in population databases (gnomAD no frequency). This variant has not been reported in the literature in individuals affected with RELN-related conditions. Advanced modeling of protein sequence and biophysical properties (such as structural, functional, and spatial information, amino acid conservation, physicochemical variation, residue mobility, and thermodynamic stability) performed at Invitae indicates that this missense variant is not expected to disrupt RELN protein function. In summary, the available evidence is currently insufficient to determine the role of this variant in disease. Therefore, it has been classified as a Variant of Uncertain Significance.

NM_005045.4(RELN):c.6850G>A (p.Ala2284Thr)

Gene: RELN (reelin; minus strand). Cytogenetic location: 7q22.1.
Variant type: single nucleotide variant.
Coding change: c.6850G>A on transcript NM_005045.4 (MANE Select); coding-DNA position 6850, G replaced by A.
Protein change: p.Ala2284Thr; replaces alanine 2284 with threonine.
Molecular consequence: missense variant.
Genome position (GRCh38, 1-based): chr7:103,540,277, C>T on the plus strand (G>A on the coding strand, the complement: RELN is on the minus strand). VCF-style: chr7-103540277-C-T. GRCh37 (hg19) VCF-style: chr7-103180724-C-T.
Other names: c.6850G>A, p.Ala2284Thr (NM_173054.3); short protein forms A2284T.
Identifiers: ClinVar variation 2952933 (VCV002952933.3), dbSNP rs2484788175, ClinGen allele CA368769818.